The following is an entry in ClinVar:

ClinVar aggregate classification (germline): Uncertain significance (1 of 4 stars; one submission).

Conditions:
Hereditary cancer-predisposing syndrome. Also called: Neoplastic Syndromes, Hereditary; Tumor predisposition; Hereditary Cancer Syndrome; Hereditary neoplastic syndrome. Identifiers: Orphanet 140162, MedGen C0027672, MeSH D009386, MONDO:0015356.

gnomAD v4.1: 1 of 1,613,668 alleles (0.000062%); highest among the groups gnomAD compares: South Asian, 0.0011%; no homozygotes.

Submission:

Ambry Genetics
Classification: Uncertain significance for Hereditary cancer-predisposing syndrome. Last evaluated: 2026-03-02. Review status: criteria provided, single submitter. Criteria: Ambry Variant Classification Scheme 2023. Collection method: clinical testing. Allele origin: germline.
Comment: The p.T534R variant (also known as c.1601C>G), located in coding exon 7 of the BARD1 gene, results from a C to G substitution at nucleotide position 1601. The threonine at codon 534 is replaced by arginine, an amino acid with similar properties. This amino acid position is not well conserved in available vertebrate species. In addition, the in silico prediction for this alteration is inconclusive. Based on the available evidence, the clinical significance of this variant remains unclear.

NM_000465.4(BARD1):c.1601C>G (p.Thr534Arg)

Gene: BARD1 (BRCA1 associated RING domain 1; minus strand). Cytogenetic location: 2q35.
Variant type: single nucleotide variant.
Coding change: c.1601C>G on transcript NM_000465.4 (MANE Select); coding-DNA position 1601, C replaced by G.
Protein change: p.Thr534Arg; replaces threonine 534 with arginine.
Molecular consequence: missense variant. On other transcripts: non-coding transcript variant (3), intron variant (1).
Genome position (GRCh38, 1-based): chr2:214,752,523, G>C on the plus strand (C>G on the coding strand, the complement: BARD1 is on the minus strand). VCF-style: chr2-214752523-G-C. GRCh37 (hg19) VCF-style: chr2-215617247-G-C.
Other names: c.1544C>G, p.Thr515Arg (NM_001282543.2); c.248C>G, p.Thr83Arg (NM_001282545.2); c.191C>G, p.Thr64Arg (NM_001282548.2); c.365-22015C>G (NM_001282549.2); short protein forms T64R, T515R, T534R, T83R.
Identifiers: ClinVar variation 4826588 (VCV004826588.1).